The following is an entry in ClinVar:

NM_000718.4(CACNA1B):c.2262C>T (p.Ile754=)

Genes: CACNA1B (calcium voltage-gated channel subunit alpha1 B; plus strand), LOC108254695 (9q34.3 CACNA1B recombination region; plus strand). Cytogenetic location: 9q34.3.
Variant type: single nucleotide variant.
Coding change: c.2262C>T on transcript NM_000718.4 (MANE Select); coding-DNA position 2262, C replaced by T.
Protein change: p.Ile754=; no amino-acid change (isoleucine 754 retained).
Molecular consequence: synonymous variant.
Genome position (GRCh38, 1-based): chr9:138,013,230, C>T. VCF-style: chr9-138013230-C-T. GRCh37 (hg19) VCF-style: chr9-140907682-C-T.
Other names: c.2262C>T, p.Ile754= (NM_001243812.2).
Identifiers: ClinVar variation 1970822 (VCV001970822.30), dbSNP rs201291570, ClinGen allele CA5376421.
Genomic context (GRCh38, chr9:138,013,230, plus strand): 5'-TCTGCAAAAGGCCAAAGAAGTGGCTGAAGTCAGCCCCATGTCTGCCGCGAACATCTCCAT[C>T]GCCGCGTAAGGCTCCTAGGAGTGGATTGTGGGGTGGCAGTGGGGCTGCTGCAGGGTCCCA-3'
Protein context (NP_000709.1, residues 744-764): VSPMSAANIS[Ile754=]AARQQNSAKA

ClinVar aggregate classification (germline): Likely benign. Review status: criteria provided, multiple submitters, no conflicts (2 of 4 stars). 3 submissions from 3 submitters: Likely benign (3). Last evaluated 2025-08-25.

Allele frequency attached by ClinVar (database versions not stated): ExAC 0.00005.
gnomAD v4.1: 110 of 1,590,880 alleles (0.0069%); highest among the groups gnomAD compares: Middle Eastern, 0.017%; 1 homozygote.

Submissions (3):

Labcorp Genetics (formerly Invitae), Labcorp
Classification: Likely benign. Last evaluated: 2025-08-25. Review status: criteria provided, single submitter. Criteria: Invitae Variant Classification Sherloc (09022015). Collection method: clinical testing. Allele origin: germline.

Blueprint Genetics
Classification: Likely benign. Last evaluated: 2024-09-04. Review status: criteria provided, single submitter. Criteria: ACMG Guidelines, 2015. Collection method: clinical testing. Allele origin: germline.

CeGaT Center for Human Genetics Tuebingen
Classification: Likely benign. Last evaluated: 2022-08-01. Review status: criteria provided, single submitter. Criteria: CeGaT Center For Human Genetics Tuebingen Variant Classification Criteria Version 2. Collection method: clinical testing. Allele origin: germline. Affected: yes. Observed: 2 variant alleles.
Comment: CACNA1B: BP4, BP7